The following is an entry in ClinVar:

NM_020964.3(EPG5):c.4361G>T (p.Arg1454Leu)

Gene: EPG5 (ectopic P-granules 5 autophagy tethering factor; minus strand). Cytogenetic location: 18q21.1.
Variant type: single nucleotide variant.
Coding change: c.4361G>T on transcript NM_020964.3 (MANE Select); coding-DNA position 4361, G replaced by T.
Protein change: p.Arg1454Leu; replaces arginine 1454 with leucine.
Molecular consequence: missense variant.
Genome position (GRCh38, 1-based): chr18:45,904,086, C>A on the plus strand (G>T on the coding strand, the complement: EPG5 is on the minus strand). VCF-style: chr18-45904086-C-A. GRCh37 (hg19) VCF-style: chr18-43484051-C-A.
Other names: short protein forms R1454L.
Identifiers: ClinVar variation 1356179 (VCV001356179.4), dbSNP rs766875773, ClinGen allele CA402338531.

ClinVar aggregate classification (germline): Uncertain significance (1 of 4 stars; one submission).

Conditions:
Vici syndrome (VICIS). Identifiers: Orphanet 1493, MedGen C1855772, MONDO:0009452, OMIM 242840.

gnomAD v4.1: 2 of 1,612,246 alleles (0.00012%); highest among the groups gnomAD compares: Admixed American, 0.0034%; no homozygotes.

Submission:

Labcorp Genetics (formerly Invitae), Labcorp
Classification: Uncertain significance for Vici syndrome. Last evaluated: 2022-09-06. Review status: criteria provided, single submitter. Criteria: Invitae Variant Classification Sherloc (09022015). Collection method: clinical testing. Allele origin: germline.
Comment: This sequence change replaces arginine, which is basic and polar, with leucine, which is neutral and non-polar, at codon 1454 of the EPG5 protein (p.Arg1454Leu). This variant is present in population databases (no rsID available, gnomAD 0.007%). This variant has not been reported in the literature in individuals affected with EPG5-related conditions. ClinVar contains an entry for this variant (Variation ID: 1356179). Algorithms developed to predict the effect of missense changes on protein structure and function are either unavailable or do not agree on the potential impact of this missense change (SIFT: "Tolerated"; PolyPhen-2: "Probably Damaging"; Align-GVGD: "Class C0"). In summary, the available evidence is currently insufficient to determine the role of this variant in disease. Therefore, it has been classified as a Variant of Uncertain Significance.